The following is an entry in ClinVar:

ClinVar aggregate classification (germline): Uncertain significance (1 of 4 stars; one submission).

Conditions:
GLA-related disorder. Also called: GLA-related condition.

Submission:

PreventionGenetics, part of Exact Sciences
Classification: Uncertain significance for GLA-related condition. Last evaluated: 2025-04-05. Review status: criteria provided, single submitter. Criteria: ACMG Guidelines, 2015. Collection method: clinical testing. Allele origin: germline.
Comment: The GLA c.415A>T variant is predicted to result in the amino acid substitution p.Asn139Tyr. To our knowledge, this variant has not been reported in the literature or in a large population database (gnomAD), indicating this variant is rare. At this time, the clinical significance of this variant is uncertain due to the absence of conclusive functional and genetic evidence.

NM_000169.3(GLA):c.415A>T (p.Asn139Tyr)

Genes: GLA (galactosidase alpha; minus strand), RPL36A-HNRNPH2 (RPL36A-HNRNPH2 readthrough; plus strand). Cytogenetic location: Xq22.1.
Variant type: single nucleotide variant.
Coding change: c.415A>T on transcript NM_000169.3 (MANE Select); coding-DNA position 415, A replaced by T.
Protein change: p.Asn139Tyr; replaces asparagine 139 with tyrosine.
Molecular consequence: missense variant. On other transcripts: non-coding transcript variant (3), intron variant (2).
Genome position (GRCh38, 1-based): chrX:101,401,764, T>A on the plus strand (A>T on the coding strand, the complement: GLA is on the minus strand). VCF-style: chrX-101401764-T-A. GRCh37 (hg19) VCF-style: chrX-100656752-T-A.
Other names: c.538A>T, p.Asn180Tyr (NM_001406747.1, NM_001406749.1); c.415A>T, p.Asn139Tyr (NM_001406748.1); c.300+6307T>A (NM_001199973.2); c.177+9942T>A (NM_001199974.2); short protein forms N139Y, N180Y.
Identifiers: ClinVar variation 4999325 (VCV004999325.1).